The following is an entry in ClinVar:

NM_024741.3(ZNF408):c.442C>T (p.Arg148Trp)

Gene: ZNF408 (zinc finger protein 408; plus strand). Cytogenetic location: 11p11.2.
Variant type: single nucleotide variant.
Coding change: c.442C>T on transcript NM_024741.3 (MANE Select); coding-DNA position 442, C replaced by T.
Protein change: p.Arg148Trp; replaces arginine 148 with tryptophan.
Molecular consequence: missense variant.
Genome position (GRCh38, 1-based): chr11:46,703,033, C>T. VCF-style: chr11-46703033-C-T. GRCh37 (hg19) VCF-style: chr11-46724583-C-T.
Other names: c.418C>T, p.Arg140Trp (NM_001184751.2); short protein forms R140W, R148W.
Identifiers: ClinVar variation 1366928 (VCV001366928.6), dbSNP rs775347285, ClinGen allele CA5966348.

ClinVar aggregate classification (germline): Uncertain significance (1 of 4 stars; one submission).

Allele frequency attached by ClinVar (database versions not stated): ExAC 0.00001; gnomAD 0.00001; gnomAD exomes 0.00001.

Submission:

Labcorp Genetics (formerly Invitae), Labcorp
Classification: Uncertain significance. Last evaluated: 2024-10-22. Review status: criteria provided, single submitter. Criteria: Invitae Variant Classification Sherloc (09022015). Collection method: clinical testing. Allele origin: germline.
Comment: This sequence change replaces arginine, which is basic and polar, with tryptophan, which is neutral and slightly polar, at codon 148 of the ZNF408 protein (p.Arg148Trp). This variant is present in population databases (rs775347285, gnomAD 0.004%). This variant has not been reported in the literature in individuals affected with ZNF408-related conditions. ClinVar contains an entry for this variant (Variation ID: 1366928). An algorithm developed to predict the effect of missense changes on protein structure and function outputs the following: PolyPhen-2: "Benign". The tryptophan amino acid residue is found in multiple mammalian species, which suggests that this missense change does not adversely affect protein function. In summary, the available evidence is currently insufficient to determine the role of this variant in disease. Therefore, it has been classified as a Variant of Uncertain Significance.